The following is an entry in ClinVar:

ClinVar aggregate classification (germline): Benign/Likely benign. Review status: criteria provided, multiple submitters, no conflicts (2 of 4 stars). 5 submissions from 5 submitters: Benign (3); Likely benign (2). Last evaluated 2026-03-01.

Conditions:
IDH2-related disorder. Also called: IDH2-related condition.
D-2-hydroxyglutaric aciduria 2 (D2HGA2). Identifiers: Orphanet 79315, MedGen C3150909, MONDO:0013345, OMIM 613657.

Allele frequency attached by ClinVar (database versions not stated): gnomAD 0.00331; TOPMed 0.00463; 1000 Genomes Project 0.00559; ESP Exome Variant Server 0.00562; 1000 Genomes Project 30x 0.00609.
gnomAD v4.1: 1,124 of 1,612,372 alleles (0.07%); highest among the groups gnomAD compares: African/African-American, 1.4%; 7 homozygotes.

Submissions (5):

CeGaT Center for Human Genetics Tuebingen
Classification: Likely benign. Last evaluated: 2026-03-01. Review status: criteria provided, single submitter. Criteria: CeGaT Center For Human Genetics Tuebingen Variant Classification Criteria Version 2. Collection method: clinical testing. Allele origin: germline. Affected: yes. Observed: 3 variant alleles.
Comment: IDH2: BP4, BS1

Labcorp Genetics (formerly Invitae), Labcorp
Classification: Benign for D-2-hydroxyglutaric aciduria 2. Last evaluated: 2025-12-29. Review status: criteria provided, single submitter. Criteria: Invitae Variant Classification Sherloc (09022015). Collection method: clinical testing. Allele origin: germline.

PreventionGenetics, part of Exact Sciences
Classification: Benign for IDH2-related condition. Last evaluated: 2025-05-16. Review status: criteria provided, single submitter. Criteria: ACMG Guidelines, 2015. Collection method: clinical testing. Allele origin: germline.
Comment: This variant is classified as benign based on ACMG/AMP sequence variant interpretation guidelines (Richards et al. 2015 PMID: 25741868, with internal and published modifications).

Blueprint Genetics
Classification: Likely benign. Last evaluated: 2024-06-11. Review status: criteria provided, single submitter. Criteria: ACMG Guidelines, 2015. Collection method: clinical testing. Allele origin: germline.

Breakthrough Genomics
Classification: Benign. Review status: criteria provided, single submitter. Criteria: ACMG Guidelines, 2015. Collection method: not provided. Allele origin: germline. Inheritance: Unknown mechanism. Affected: yes.

NM_002168.4(IDH2):c.207+4G>A

Gene: IDH2 (isocitrate dehydrogenase (NADP(+)) 2; minus strand). Cytogenetic location: 15q26.1.
Variant type: single nucleotide variant.
Coding change: c.207+4G>A on transcript NM_002168.4 (MANE Select); 4 bases into the intron after coding-DNA position 207, G replaced by A.
Molecular consequence: intron variant.
Genome position (GRCh38, 1-based): chr15:90,091,549, C>T on the plus strand (G>A on the coding strand, the complement: IDH2 is on the minus strand). VCF-style: chr15-90091549-C-T. GRCh37 (hg19) VCF-style: chr15-90634781-C-T.
Other names: c.-17-2802G>A (NM_001290114.2); c.51+4G>A (NM_001289910.1).
Identifiers: ClinVar variation 788184 (VCV000788184.17), dbSNP rs77995170, ClinGen allele CA7733258.
Genomic context (GRCh38, chr15:90,091,549, plus strand): 5'-GTGGGACAGAACAATCCCTGGCCAGCCCACCTGGAGAGCCACCCACTTCAGGAGGGGGCA[C>T]TACCTTCTCCTTGATGAACTGCCAGATAATACGGGTCATCTCATCACCATCCATCTCCAC-3'